The following is an entry in ClinVar:

NM_001330260.2(SCN8A):c.402T>C (p.Phe134=)

Gene: SCN8A (sodium voltage-gated channel alpha subunit 8; plus strand). Cytogenetic location: 12q13.13.
Variant type: single nucleotide variant.
Coding change: c.402T>C on transcript NM_001330260.2 (MANE Select); coding-DNA position 402, T replaced by C.
Protein change: p.Phe134=; no amino-acid change (phenylalanine 134 retained).
Molecular consequence: synonymous variant.
Genome position (GRCh38, 1-based): chr12:51,686,374, T>C. VCF-style: chr12-51686374-T-C. GRCh37 (hg19) VCF-style: chr12-52080158-T-C.
Other names: c.402T>C, p.Phe134= (NM_001177984.3, NM_001369788.1, NM_014191.4).
Identifiers: ClinVar variation 285388 (VCV000285388.42), dbSNP rs559668426, ClinGen allele CA6571061.

ClinVar aggregate classification (germline): Conflicting classifications of pathogenicity. Review status: criteria provided, conflicting classifications (1 of 4 stars). 7 submissions from 7 submitters: Uncertain significance (1); Likely benign (5). 1 of the submissions does not count toward it. Last evaluated 2025-05-18.

Conditions:
Inborn genetic diseases. Identifiers: MedGen C0950123, MeSH D030342.
SCN8A-related disorder.
Early-infantile DEE. Also called: Early infantile epileptic encephalopathy with suppression bursts; Early infantile epileptic encephalopathy; Ohtahara syndrome. Identifiers: Orphanet 1934, MedGen C0393706, MONDO:0800491.

Allele frequency attached by ClinVar (database versions not stated): gnomAD 0.00004 and 0.00005; gnomAD exomes 0.00004 and 0.00005; TOPMed 0.00005; ExAC 0.00006.
gnomAD v4.1: 80 of 1,607,112 alleles (0.005%); highest among the groups gnomAD compares: Non-Finnish European, 0.0061%; no homozygotes.

Submissions (7):

Labcorp Genetics (formerly Invitae), Labcorp
Classification: Likely benign for Early-infantile DEE. Last evaluated: 2025-05-18. Review status: criteria provided, single submitter. Criteria: Invitae Variant Classification Sherloc (09022015). Collection method: clinical testing. Allele origin: germline.

Blueprint Genetics
Classification: Likely benign. Last evaluated: 2024-09-25. Review status: criteria provided, single submitter. Criteria: ACMG Guidelines, 2015. Collection method: clinical testing. Allele origin: germline.

CeGaT Center for Human Genetics Tuebingen
Classification: Likely benign. Last evaluated: 2023-12-01. Review status: criteria provided, single submitter. Criteria: CeGaT Center For Human Genetics Tuebingen Variant Classification Criteria Version 2. Collection method: clinical testing. Allele origin: germline. Affected: yes. Observed: 1 variant allele.
Comment: SCN8A: BP7

GeneDx
Classification: Likely benign. Last evaluated: 2019-11-13. Review status: criteria provided, single submitter. Criteria: GeneDx Variant Classification Process June 2021. Collection method: clinical testing. Allele origin: germline. Affected: yes.

Ambry Genetics
Classification: Likely benign for Inborn genetic diseases. Last evaluated: 2017-07-17. Review status: criteria provided, single submitter. Criteria: Ambry Variant Classification Scheme 2023. Collection method: clinical testing. Allele origin: germline.

Eurofins Ntd Llc (ga)
Classification: Uncertain significance. Last evaluated: 2016-01-26. Review status: criteria provided, single submitter. Criteria: EGL Classification Definitions 2015. Collection method: clinical testing. Allele origin: germline. Observed: 1 variant allele, 1 heterozygote.

PreventionGenetics, part of Exact Sciences
Classification: Likely benign for SCN8A-related condition. Last evaluated: 2019-08-29. Review status: no assertion criteria provided. Collection method: clinical testing. Allele origin: germline. Not counted in ClinVar's aggregate classification.
Comment: This variant is classified as likely benign based on ACMG/AMP sequence variant interpretation guidelines (Richards et al. 2015 PMID: 25741868, with internal and published modifications).